The following is an entry in ClinVar:

ClinVar aggregate classification (germline): Likely pathogenic (0 of 4 stars; one submission).

Conditions:
Aarskog syndrome (AAS). Also called: Aarskog Scott syndrome; Aarskog disease; Aarskog-Scott syndrome, X-linked; FGD1-Related Faciogenital Dysplasia (Aarskog-Scott Syndrome); FGDY. Identifiers: Orphanet 915, MedGen C0175701, MONDO:0010589, OMIM 305400.

Submission:

Istanbul Faculty of Medicine, Istanbul University
Classification: Likely pathogenic for Aarskog syndrome. Last evaluated: 2024-10-02. Review status: no assertion criteria provided. Collection method: clinical testing. Allele origin: germline. Affected: yes. Observed: 1 variant allele.
Comment: PVS1, PM2

NM_004463.3(FGD1):c.1815dup (p.Thr606fs)

Gene: FGD1 (FYVE, RhoGEF and PH domain containing 1; minus strand). Cytogenetic location: Xp11.22.
Variant type: Duplication.
Coding change: c.1815dup on transcript NM_004463.3 (MANE Select); coding-DNA position 1815, one base duplicated (G; older notation c.1815dupG).
Protein change: p.Thr606fs; shifts the reading frame from threonine 606.
Molecular consequence: frameshift variant.
Genome position (GRCh38, 1-based): chrX:54,456,247, C duplicated on the plus strand (G on the coding strand, the reverse complement: FGD1 is on the minus strand); the first of 3 consecutive C bases (chrX:54,456,247-54,456,249); duplicating any one gives the same sequence. VCF-style (leftmost placement, unchanged base first): chrX-54456246-T-TC. GRCh37 (hg19) VCF-style: chrX-54482679-T-TC.
Other names: c.1815dupG (NM_004463.3); short protein forms T606fs.
Identifiers: ClinVar variation 3747856 (VCV003747856.1).
Genomic context (GRCh38, chrX:54,456,246, plus strand): 5'-ATGACCCACCCACAATTCCATGCCTGGCACTTACTAGTATGAGGTATCGGTCTTGAGTGG[T>TC]CCCATTCTTTGCTGACAGCTTAAGGATGTGGCCTTCTTTTATGAGCTCTTTGGTGGGGCT-3'